The following is an entry in ClinVar:

ClinVar aggregate classification (germline): Uncertain significance (1 of 4 stars; one submission).

Conditions:
Sulfite oxidase deficiency due to molybdenum cofactor deficiency type C. Also called: Molybdenum cofactor deficiency, complementation group C; Molybdenum cofactor deficiency C. Identifiers: Orphanet 308400, Orphanet 833, MedGen C1854990, MONDO:0014212, OMIM 615501.

Allele frequency attached by ClinVar (database versions not stated): gnomAD 0.00001; gnomAD exomes 0.00002; TOPMed 0.00002.
gnomAD v4.1: 27 of 1,610,590 alleles (0.0017%); highest among the groups gnomAD compares: Non-Finnish European, 0.0022%; no homozygotes.

Submission:

Labcorp Genetics (formerly Invitae), Labcorp
Classification: Uncertain significance for Sulfite oxidase deficiency due to molybdenum cofactor deficiency type C. Last evaluated: 2025-11-23. Review status: criteria provided, single submitter. Criteria: Invitae Variant Classification Sherloc (09022015). Collection method: clinical testing. Allele origin: germline.
Comment: This sequence change replaces glycine, which is neutral and non-polar, with serine, which is neutral and polar, at codon 649 of the GPHN protein (p.Gly649Ser). This variant is not present in population databases (gnomAD no frequency). This variant has not been reported in the literature in individuals affected with GPHN-related conditions. ClinVar contains an entry for this variant (Variation ID: 965457). Invitae Evidence Modeling of protein sequence and biophysical properties (such as structural, functional, and spatial information, amino acid conservation, physicochemical variation, residue mobility, and thermodynamic stability) indicates that this missense variant is not expected to disrupt GPHN protein function with a negative predictive value of 80%. In summary, the available evidence is currently insufficient to determine the role of this variant in disease. Therefore, it has been classified as a Variant of Uncertain Significance.

NM_020806.5(GPHN):c.1945G>A (p.Gly649Ser)

Gene: GPHN (gephyrin; plus strand). Cytogenetic location: 14q23.3.
Variant type: single nucleotide variant.
Coding change: c.1945G>A on transcript NM_020806.5 (MANE Select); coding-DNA position 1945, G replaced by A.
Protein change: p.Gly649Ser; replaces glycine 649 with serine.
Molecular consequence: missense variant.
Genome position (GRCh38, 1-based): chr14:67,165,196, G>A. VCF-style: chr14-67165196-G-A. GRCh37 (hg19) VCF-style: chr14-67631913-G-A.
Other names: c.1846G>A, p.Gly616Ser (NM_001024218.2); c.2005G>A, p.Gly669Ser (NM_001377514.1); c.1975G>A, p.Gly659Ser (NM_001377515.1); c.1966G>A, p.Gly656Ser (NM_001377516.1); c.1918G>A, p.Gly640Ser (NM_001377517.1); c.1903G>A, p.Gly635Ser (NM_001377518.1); c.1885G>A, p.Gly629Ser (NM_001377519.1); short protein forms G629S, G649S, G669S, G635S, G640S, G656S, G616S, G659S.
Identifiers: ClinVar variation 965457 (VCV000965457.9), dbSNP rs199941391, ClinGen allele CA262744291.
Genomic context (GRCh38, chr14:67,165,196, plus strand): 5'-AACAAGTGACTCTTTTTTTCTTCTAGCTTGCCAACAACATTTGCAACTTTGGATATTGAT[G>A]GTGTAAGAAAAATAATCTTTGCACTACCTGGTAAGAATAACAAATTGTTTCCTTTCCTTT-3'
Protein context (NP_065857.1, residues 639-659): PTTFATLDID[Gly649Ser]VRKIIFALPG